The following is an entry in ClinVar:

ClinVar aggregate classification (germline): Pathogenic. Review status: criteria provided, multiple submitters, no conflicts (2 of 4 stars). 12 submissions from 12 submitters: Pathogenic (11). 1 of the submissions does not count toward it. Last evaluated 2026-01-12.

Conditions:
CHRNE-related disorder. Also called: CHRNE-related condition.
Congenital myasthenic syndrome 4B. Also called: Myasthenic syndrome, congenital, 4b, fast-channel. Identifiers: Orphanet 590, MedGen C4225369, MONDO:0014586, OMIM 616324.
Congenital myasthenic syndrome 4C (CMS4C). Also called: Myasthenic syndrome, congenital, associated with acetylcholine receptor deficiency. Identifiers: Orphanet 590, MedGen C1837091, MONDO:0012157, OMIM 608931.
Congenital myasthenic syndrome 4A. Also called: CONGENITAL MYASTHENIC SYNDROME TYPE Ia1; Myasthenic syndrome, congenital, 4a, slow-channel; MYASTHENIC SYNDROME, CONGENITAL, 4A, SLOW-CHANNEL, AUTOSOMAL RECESSIVE. Identifiers: Orphanet 590, MedGen C4225413, MONDO:0011600, OMIM 605809.
Congenital myasthenic syndrome (CMS). Also called: Congenital Myasthenic Syndromes. Identifiers: Orphanet 590, MedGen C0751882, MeSH D020294, MONDO:0018940.

Submissions (12):

Labcorp Genetics (formerly Invitae), Labcorp
Classification: Pathogenic for Congenital myasthenic syndrome 4A. Last evaluated: 2026-01-12. Review status: criteria provided, single submitter. Criteria: Invitae Variant Classification Sherloc (09022015). Collection method: clinical testing. Allele origin: germline.
Comment: This sequence change creates a premature translational stop signal (p.Trp205Serfs*7) in the CHRNE gene. It is expected to result in an absent or disrupted protein product. Loss-of-function variants in CHRNE are known to be pathogenic (PMID: 22678886). This variant is present in population databases (rs753828284, gnomAD 0.009%). This premature translational stop signal has been observed in individuals with autosomal recessive congenital myasthenic syndrome (PMID: 9158150; internal data). This variant is also known as 553del7. ClinVar contains an entry for this variant (Variation ID: 18357). For these reasons, this variant has been classified as Pathogenic.

Natera, Inc.
Classification: Pathogenic for Congenital myasthenic syndrome. Last evaluated: 2025-12-09. Review status: criteria provided, single submitter. Criteria: Natera Variant Classification Schema (03/2026). Collection method: clinical testing. Allele origin: germline.
Comment: The c.614_620delGGGCCAT variant in CHRNE is a frameshift variant predicted to shift the reading frame beginning at codon 205 and leads to a stop codon 7 codons downstream. This variant is expected to result in nonsense mediated decay, truncation, or a dysfunctional protein product. This variant is rare in the general population with a frequency below the threshold expected for the associated phenotype(s). This variant has been observed in one or more individuals affected with the associated recessive disease, as either homozygous or compound heterozygous with a second variant (PMID: 14532324). Given the available evidence, this variant is classified as Pathogenic.

Revvity Omics, Revvity
Classification: Pathogenic. Last evaluated: 2025-03-19. Review status: criteria provided, single submitter. Criteria: ACMG Guidelines, 2015. Collection method: clinical testing. Allele origin: germline.

Fulgent Genetics
Classification: Pathogenic for Congenital myasthenic syndrome 4A; Congenital myasthenic syndrome 4C; Congenital myasthenic syndrome 4B. Last evaluated: 2024-04-25. Review status: criteria provided, single submitter. Criteria: ACMG Guidelines, 2015. Collection method: clinical testing. Allele origin: germline.

Baylor Genetics
Classification: Pathogenic for Congenital myasthenic syndrome 4A. Last evaluated: 2024-02-28. Review status: criteria provided, single submitter. Criteria: ACMG Guidelines, 2015. Collection method: clinical testing. Allele origin: unknown.

Blueprint Genetics
Classification: Pathogenic for CHRNE-related disorders. Last evaluated: 2023-07-13. Review status: criteria provided, single submitter. Criteria: ACMG Guidelines, 2015. Collection method: clinical testing. Allele origin: germline. Affected: yes. Observed: 5 variant alleles.

Women's Health and Genetics/Laboratory Corporation of America, LabCorp
Classification: Pathogenic for Congenital myasthenic syndrome. Last evaluated: 2023-04-04. Review status: criteria provided, single submitter. Criteria: LabCorp Variant Classification Summary - May 2015. Collection method: clinical testing. Allele origin: germline.
Comment: Variant summary: CHRNE c.614_620delGGGCCAT (p.Trp205SerfsX7) results in a premature termination codon, predicted to cause a truncation of the encoded protein or absence of the protein due to nonsense mediated decay, which are commonly known mechanisms for disease. Truncations downstream of this position have been classified as pathogenic by our laboratory. The variant allele was found at a frequency of 3.7e-05 in 241986 control chromosomes. c.614_620delGGGCCAT has been reported in the literature in multiple individuals affected with Congenital Myasthenic Syndrome (example, Ohno_2003). These data indicate that the variant is very likely to be associated with disease. Seven clinical diagnostic laboratories have submitted clinical-significance assessments for this variant to ClinVar after 2014 without evidence for independent evaluation. All laboratories classified the variant as pathogenic. Based on the evidence outlined above, the variant was classified as pathogenic.

GeneDx
Classification: Pathogenic. Last evaluated: 2022-06-10. Review status: criteria provided, single submitter. Criteria: GeneDx Variant Classification Process June 2021. Collection method: clinical testing. Allele origin: germline. Affected: yes.
Comment: Published functional studies demonstrate a damaging effect (null allele) (Ohno et al., 1997); Frameshift variant predicted to result in protein truncation or nonsense mediated decay in a gene for which loss-of-function is a known mechanism of disease; This variant is associated with the following publications: (PMID: 9158150, 14532324, 31589614)

Genetics and Molecular Pathology, SA Pathology
Classification: Pathogenic for Congenital myasthenic syndrome. Last evaluated: 2021-12-01. Review status: criteria provided, single submitter. Criteria: ACMG Guidelines, 2015. Collection method: clinical testing. Allele origin: germline. Affected: yes.

Rady Children's Institute for Genomic Medicine, Rady Children's Hospital San Diego
Classification: Pathogenic for MYASTHENIC SYNDROME, CONGENITAL, 4B, FAST-CHANNEL. Last evaluated: 2018-12-31. Review status: criteria provided, single submitter. Criteria: ACMG Guidelines, 2015. Collection method: clinical testing. Allele origin: germline. Affected: yes. Observed: 1 variant allele.
Comment: This frameshifting variant in exon 7 of 12 introduces a premature stop codon and is predicted to result in loss of normal protein function. This variant has been previously reported as a compound heterozygous or homozygous change in multiple individuals with congenital myasthenic syndrome (PMID: 9158150, 14532324). Segregation analyses of unaffected family members have indicated this variant acts in a recessive fashion (PMID: 14532324). Functional studies performed in HEK cells have shown the c.614_620del (p.Trp205SerfsTer7) variant is a null mutation (PMID: 9158150). This variant is present in the heterozygous state in the gnomAD population database at a frequency of 0.004% (11/273326) and thus is presumed to be rare. Based on the available evidence, this variant is classified as pathogenic.

Eurofins Ntd Llc (ga)
Classification: Pathogenic. Last evaluated: 2017-09-11. Review status: criteria provided, single submitter. Criteria: EGL Classification Definitions 2015. Collection method: clinical testing. Allele origin: germline. Observed: 2 variant alleles, 2 heterozygotes.

OMIM
Classification: Pathogenic for MYASTHENIC SYNDROME, CONGENITAL, 4C, ASSOCIATED WITH ACETYLCHOLINE RECEPTOR DEFICIENCY. Last evaluated: 1997-05-01. Review status: no assertion criteria provided. Collection method: literature only. Allele origin: germline. Not counted in ClinVar's aggregate classification.

Literature cited by the submitters: PubMed 22678886 (cited by Labcorp Genetics (formerly Invitae), Labcorp); PubMed 9158150 (cited by 3 submitters); PubMed 14532324 (cited by Natera, Inc. and Women's Health and Genetics/Laboratory Corporation of America, LabCorp).

NM_000080.4(CHRNE):c.614_620del (p.Trp205fs)

Genes: C17orf107 (chromosome 17 open reading frame 107; plus strand), CHRNE (cholinergic receptor nicotinic epsilon subunit; minus strand). Cytogenetic location: 17p13.2.
Variant type: Deletion.
Coding change: c.614_620del on transcript NM_000080.4 (MANE Select); coding-DNA positions 614 to 620, 7 bases deleted (GGGCCAT; older notation c.614_620delGGGCCAT).
Protein change: p.Trp205fs; shifts the reading frame from tryptophan 205.
Molecular consequence: frameshift variant. On other transcripts: 3 prime UTR variant (1).
Genome position (GRCh38, 1-based): chr17:4,901,172-4,901,178, ATGGCCC deleted on the plus strand (GGGCCAT on the coding strand, the reverse complement: CHRNE is on the minus strand); deleting any 7 consecutive bases within chr17:4,901,172-4,901,179 gives the same sequence; the c. name uses the placement nearest the transcript's 3' end. VCF-style (leftmost placement, unchanged base first): chr17-4901171-GATGGCCC-G. GRCh37 (hg19) VCF-style: chr17-4804466-GATGGCCC-G.
Other names: c.614_620delGGGCCAT (NM_000080.4); c.*640_*646del (NM_001145536.2); short protein forms W205fs.
Identifiers: ClinVar variation 18357 (VCV000018357.32), dbSNP rs753828284, ClinGen allele CA8314307.